The following is an entry in ClinVar:

ClinVar aggregate classification (germline): Uncertain significance. Review status: criteria provided, multiple submitters, no conflicts (2 of 4 stars). 2 submissions from 2 submitters: Uncertain significance (2). Last evaluated 2024-09-10.

Allele frequency attached by ClinVar (database versions not stated): gnomAD exomes below 0.00001.
gnomAD v4.1: 2 of 1,613,922 alleles (0.00012%); highest among the groups gnomAD compares: Non-Finnish European, 0.00017%; no homozygotes.

Submissions (2):

Blueprint Genetics
Classification: Uncertain significance. Last evaluated: 2024-09-10. Review status: criteria provided, single submitter. Criteria: ACMG Guidelines, 2015. Collection method: clinical testing. Allele origin: germline.

Labcorp Genetics (formerly Invitae), Labcorp
Classification: Uncertain significance. Last evaluated: 2023-12-11. Review status: criteria provided, single submitter. Criteria: Invitae Variant Classification Sherloc (09022015). Collection method: clinical testing. Allele origin: germline.
Comment: This sequence change replaces histidine, which is basic and polar, with tyrosine, which is neutral and polar, at codon 369 of the HNF1B protein (p.His369Tyr). This variant is not present in population databases (gnomAD no frequency). This variant has not been reported in the literature in individuals affected with HNF1B-related conditions. ClinVar contains an entry for this variant (Variation ID: 1383988). Advanced modeling of protein sequence and biophysical properties (such as structural, functional, and spatial information, amino acid conservation, physicochemical variation, residue mobility, and thermodynamic stability) has been performed at Invitae for this missense variant, however the output from this modeling did not meet the statistical confidence thresholds required to predict the impact of this variant on HNF1B protein function. In summary, the available evidence is currently insufficient to determine the role of this variant in disease. Therefore, it has been classified as a Variant of Uncertain Significance.

NM_000458.4(HNF1B):c.1105C>T (p.His369Tyr)

Gene: HNF1B (HNF1 homeobox B; minus strand). Cytogenetic location: 17q12.
Variant type: single nucleotide variant.
Coding change: c.1105C>T on transcript NM_000458.4 (MANE Select); coding-DNA position 1105, C replaced by T.
Protein change: p.His369Tyr; replaces histidine 369 with tyrosine.
Molecular consequence: missense variant.
Genome position (GRCh38, 1-based): chr17:37,710,604, G>A on the plus strand (C>T on the coding strand, the complement: HNF1B is on the minus strand). VCF-style: chr17-37710604-G-A. GRCh37 (hg19) VCF-style: chr17-36070612-G-A.
Other names: c.1027C>T, p.His343Tyr (NM_001165923.4, NM_001304286.2); short protein forms H369Y, H343Y.
Identifiers: ClinVar variation 1383988 (VCV001383988.7), dbSNP rs2147473921, ClinGen allele CA398759654.
Genomic context (GRCh38, chr17:37,710,604, plus strand): 5'-GGCTGGCTGGGGAGACTTGCTGTAAAACCGACTGGCTGGTCACCATGGCGCTGTTGCCAT[G>A]GTGACTGATTGTTGAGGAGGAAGTGATCTCATTGTTTCCCTGCTGGCTGTAGCGCACTCC-3'
Protein context (NP_000449.1, residues 359-379): EITSSSTISH[His369Tyr]GNSAMVTSQS